The following is an entry in ClinVar:

ClinVar aggregate classification (germline): Conflicting classifications of pathogenicity. Review status: criteria provided, conflicting classifications (1 of 4 stars). 3 submissions from 3 submitters: Uncertain significance (1); Likely benign (2). Last evaluated 2025-10-09.

Conditions:
Hereditary cancer-predisposing syndrome. Also called: Tumor predisposition; Hereditary Cancer Syndrome; Hereditary neoplastic syndrome; Neoplastic Syndromes, Hereditary. Identifiers: Orphanet 140162, MedGen C0027672, MeSH D009386, MONDO:0015356.

Allele frequency attached by ClinVar (database versions not stated): gnomAD exomes below 0.00001 and 0.00001; TOPMed 0.00001; gnomAD 0.00003.
gnomAD v4.1: 20 of 1,613,938 alleles (0.0012%); highest among the groups gnomAD compares: African/African-American, 0.0053%; no homozygotes.

Submissions (3):

Labcorp Genetics (formerly Invitae), Labcorp
Classification: Likely benign. Last evaluated: 2025-10-09. Review status: criteria provided, single submitter. Criteria: Invitae Variant Classification Sherloc (09022015). Collection method: clinical testing. Allele origin: germline.

Sema4
Classification: Uncertain significance for Hereditary cancer-predisposing syndrome. Last evaluated: 2021-10-18. Review status: criteria provided, single submitter. Criteria: Sema4 Curation Guidelines. Collection method: curation. Allele origin: germline.
Comment: The SMARCB1 c.750G>A (p.T250=) variant has not been reported in the literature to our knowledge. It was observed in 1/16252 chromosomes of the South Asian subpopulation in the large and broad cohorts of the Genome Aggregation Database (PMID: 32461654). The variant has been reported in ClinVar (Variation ID: 410702). In silico tools suggest the variant may potentially have an impact on splicing, though these predictions have not been confirmed by functional studies. The evidence is insufficient to meet ACMG/AMP criteria for classifying the variant as benign or pathogenic. Thus, the clinical significance of this variant is currently uncertain.

Ambry Genetics
Classification: Likely benign for Hereditary cancer-predisposing syndrome. Last evaluated: 2018-07-24. Review status: criteria provided, single submitter. Criteria: Ambry Variant Classification Scheme 2023. Collection method: clinical testing. Allele origin: germline.

NM_003073.5(SMARCB1):c.750G>A (p.Thr250=)

Gene: SMARCB1 (SWI/SNF related BAF chromatin remodeling complex subunit B1; plus strand). Cytogenetic location: 22q11.23.
Variant type: single nucleotide variant.
Coding change: c.750G>A on transcript NM_003073.5 (MANE Select); coding-DNA position 750, G replaced by A.
Protein change: p.Thr250=; no amino-acid change (threonine 250 retained).
Molecular consequence: synonymous variant.
Genome position (GRCh38, 1-based): chr22:23,816,891, G>A. VCF-style: chr22-23816891-G-A. GRCh37 (hg19) VCF-style: chr22-24159078-G-A.
Other names: c.750G>A (LRG_520t1); c.723G>A, p.Thr241= (NM_001007468.3); c.777G>A, p.Thr259= (NM_001317946.2); c.804G>A, p.Thr268= (NM_001362877.2).
Identifiers: ClinVar variation 410702 (VCV000410702.14), dbSNP rs1049144154, ClinGen allele CA16616564.